The following is an entry in ClinVar:

NM_172369.5(C1QC):c.425C>A (p.Ala142Glu)

Gene: C1QC (complement C1q C chain; plus strand). Cytogenetic location: 1p36.12.
Variant type: single nucleotide variant.
Coding change: c.425C>A on transcript NM_172369.5 (MANE Select); coding-DNA position 425, C replaced by A.
Protein change: p.Ala142Glu; replaces alanine 142 with glutamic acid.
Molecular consequence: missense variant.
Genome position (GRCh38, 1-based): chr1:22,647,470, C>A. VCF-style: chr1-22647470-C-A. GRCh37 (hg19) VCF-style: chr1-22973963-C-A.
Other names: c.425C>A, p.Ala142Glu (NM_001114101.3, NM_001347619.2); c.158C>A, p.Ala53Glu (NM_001347620.2); short protein forms A53E, A142E.
Identifiers: ClinVar variation 1419299 (VCV001419299.8), dbSNP rs769724909, ClinGen allele CA338937054.
Genomic context (GRCh38, chr1:22,647,470, plus strand): 5'-TCACGGTCACTCGGCAGACCCACCAGCCCCCTGCACCCAACAGCCTGATCAGATTCAACG[C>A]GGTCCTCACCAACCCGCAGGGAGATTATGACACGAGCACTGGCAAGTTCACCTGCAAAGT-3'
Protein context (NP_758957.2, residues 132-152): PAPNSLIRFN[Ala142Glu]VLTNPQGDYD

ClinVar aggregate classification (germline): Uncertain significance (1 of 4 stars; one submission).

Submission:

Labcorp Genetics (formerly Invitae), Labcorp
Classification: Uncertain significance. Last evaluated: 2022-10-13. Review status: criteria provided, single submitter. Criteria: Invitae Variant Classification Sherloc (09022015). Collection method: clinical testing. Allele origin: germline.
Comment: This variant has not been reported in the literature in individuals affected with C1QC-related conditions. In summary, the available evidence is currently insufficient to determine the role of this variant in disease. Therefore, it has been classified as a Variant of Uncertain Significance. Algorithms developed to predict the effect of missense changes on protein structure and function output the following: SIFT: "Tolerated"; PolyPhen-2: "Benign"; Align-GVGD: "Class C0". The glutamic acid amino acid residue is found in multiple mammalian species, which suggests that this missense change does not adversely affect protein function. ClinVar contains an entry for this variant (Variation ID: 1419299). This variant is not present in population databases (gnomAD no frequency). This sequence change replaces alanine, which is neutral and non-polar, with glutamic acid, which is acidic and polar, at codon 142 of the C1QC protein (p.Ala142Glu).